The following is an entry in ClinVar:

NM_174934.4(SCN4B):c.174C>T (p.Cys58=)

Gene: SCN4B (sodium voltage-gated channel beta subunit 4; minus strand). Cytogenetic location: 11q23.3.
Variant type: single nucleotide variant.
Coding change: c.174C>T on transcript NM_174934.4 (MANE Select); coding-DNA position 174, C replaced by T.
Protein change: p.Cys58=; no amino-acid change (cysteine 58 retained).
Molecular consequence: synonymous variant. On other transcripts: 5 prime UTR variant (1), non-coding transcript variant (1), intron variant (1).
Genome position (GRCh38, 1-based): chr11:118,145,117, G>A on the plus strand (C>T on the coding strand, the complement: SCN4B is on the minus strand). VCF-style: chr11-118145117-G-A. GRCh37 (hg19) VCF-style: chr11-118015832-G-A.
Other names: p.C58C:TGC>TGT; c.-157C>T (NM_001142349.2); c.62-3781C>T (NM_001142348.2).
Identifiers: ClinVar variation 139037 (VCV000139037.25), dbSNP rs45539032, ClinGen allele CA293307.

ClinVar aggregate classification (germline): Benign/Likely benign. Review status: criteria provided, multiple submitters, no conflicts (2 of 4 stars). 7 submissions from 7 submitters: Benign (4); Likely benign (1). 2 of the submissions do not count toward it. Last evaluated 2026-02-04.

Conditions:
Cardiovascular phenotype. Identifiers: MedGen CN230736.
Long QT syndrome 10 (LQT10). Identifiers: Orphanet 101016, Orphanet 768, MedGen C2678484, MONDO:0012737, OMIM 611819.

Allele frequency attached by ClinVar (database versions not stated): ExAC 0.03491; 1000 Genomes Project 0.03494; 1000 Genomes Project 30x 0.03420; gnomAD exomes 0.03551 and 0.03835; ESP Exome Variant Server 0.03679; gnomAD 0.03810 and 0.03816; TOPMed 0.03955.
gnomAD v4.1: 62,106 of 1,614,124 alleles (3.8%); highest among the groups gnomAD compares: Middle Eastern, 5.8%; 1,311 homozygotes.

Submissions (7):

Labcorp Genetics (formerly Invitae), Labcorp
Classification: Benign for Long QT syndrome 10. Last evaluated: 2026-02-04. Review status: criteria provided, single submitter. Criteria: Invitae Variant Classification Sherloc (09022015). Collection method: clinical testing. Allele origin: germline.

Ambry Genetics
Classification: Benign for Cardiovascular phenotype. Last evaluated: 2015-08-07. Review status: criteria provided, single submitter. Criteria: Ambry Variant Classification Scheme 2023. Collection method: clinical testing. Allele origin: germline.

GeneDx
Classification: Benign. Last evaluated: 2011-08-15. Review status: criteria provided, single submitter. Criteria: GeneDx Variant Classification (06012015). Collection method: clinical testing. Allele origin: germline. Affected: yes.
Comment: This variant is considered likely benign or benign based on one or more of the following criteria: it is a conservative change, it occurs at a poorly conserved position in the protein, it is predicted to be benign by multiple in silico algorithms, and/or has population frequency not consistent with disease.

Breakthrough Genomics
Classification: Likely benign. Review status: criteria provided, single submitter. Criteria: ACMG Guidelines, 2015. Collection method: not provided. Allele origin: germline. Inheritance: Autosomal dominant inheritance. Affected: yes.

PreventionGenetics, part of Exact Sciences
Classification: Benign. Review status: criteria provided, single submitter. Criteria: ACMG Guidelines, 2015. Collection method: clinical testing. Allele origin: germline.

Clinical Genetics, Academic Medical Center
Classification: Benign. Review status: no assertion criteria provided. Collection method: clinical testing. Allele origin: germline. Affected: yes. Study: VKGL Data-share Consensus. Not counted in ClinVar's aggregate classification.

Genome Diagnostics Laboratory, University Medical Center Utrecht
Classification: Benign. Review status: no assertion criteria provided. Collection method: clinical testing. Allele origin: germline. Affected: yes. Study: VKGL Data-share Consensus. Not counted in ClinVar's aggregate classification.